The following is an entry in ClinVar:

NM_001793.6(CDH3):c.2389TCC[1] (p.Ser798del)

Gene: CDH3 (cadherin 3; plus strand). Cytogenetic location: 16q22.1.
Variant type: Microsatellite.
Coding change: c.2389TCC[1] on transcript NM_001793.6 (MANE Select); one copy of the 3-base unit TCC starting at c.2389; the reference has two copies in a row; one copy, 3 bases deleted.
Protein change: p.Ser798del; deletes serine 798.
Molecular consequence: inframe deletion. On other transcripts: 3 prime UTR variant (1).
Genome position (GRCh38, 1-based): chr16:68,698,302-68,698,304, TCC deleted; deleting any 3 consecutive bases within chr16:68,698,297-68,698,304 gives the same sequence; the position shown is the placement nearest the transcript's 3' end. VCF-style (leftmost placement, unchanged base first): chr16-68698296-ACCT-A. GRCh37 (hg19) VCF-style: chr16-68732199-ACCT-A.
Other names: c.*132TCC[1] (NM_001317195.3); c.2224TCC[1], p.Ser743del (NM_001317196.2); short protein forms S743del, S798del.
Identifiers: ClinVar variation 1401095 (VCV001401095.8), dbSNP rs2152107997, ClinGen allele CA2580613896.
Genomic context (GRCh38, chr16:68,698,296, plus strand): 5'-ACCCTCTTGGTGTTCGACTATGAGGGCAGCGGCTCCGACGCCGCGTCCCTGAGCTCCCTC[ACCT>A]CCTCCGCCTCCGACCAAGACCAAGATTACGATTATCTGAACGAGTGGGGCAGCCGCTTCA-3'

ClinVar aggregate classification (germline): Uncertain significance (1 of 4 stars; one submission).

Submission:

Labcorp Genetics (formerly Invitae), Labcorp
Classification: Uncertain significance. Last evaluated: 2024-10-16. Review status: criteria provided, single submitter. Criteria: Invitae Variant Classification Sherloc (09022015). Collection method: clinical testing. Allele origin: germline.
Comment: This variant, c.2392_2394del, results in the deletion of 1 amino acid(s) of the CDH3 protein (p.Ser798del), but otherwise preserves the integrity of the reading frame. This variant is not present in population databases (gnomAD no frequency). This variant has not been reported in the literature in individuals affected with CDH3-related conditions. Experimental studies and prediction algorithms are not available or were not evaluated, and the functional significance of this variant is currently unknown. In summary, the available evidence is currently insufficient to determine the role of this variant in disease. Therefore, it has been classified as a Variant of Uncertain Significance.